The following is an entry in ClinVar:

ClinVar aggregate classification (germline): Conflicting classifications of pathogenicity. Review status: criteria provided, conflicting classifications (1 of 4 stars). 4 submissions from 4 submitters: Uncertain significance (1); Likely benign (3). Last evaluated 2026-04-01.

Conditions:
Familial temporal lobe epilepsy 7. Identifiers: Orphanet 101046, MedGen C4225327, MONDO:0014639, OMIM 616436.
Norman-Roberts syndrome (LIS2). Also called: Lissencephaly 2 (Norman-Roberts type). Identifiers: Orphanet 89844, MedGen C0796089, MONDO:0009760, OMIM 257320.

Allele frequency attached by ClinVar (database versions not stated): gnomAD 0.00004 and 0.00005; TOPMed 0.00006; ExAC 0.00007; ESP Exome Variant Server 0.00008; gnomAD exomes 0.00008; 1000 Genomes Project 30x 0.00016; 1000 Genomes Project 0.00020.
gnomAD v4.1: 67 of 1,613,664 alleles (0.0042%); highest among the groups gnomAD compares: Admixed American, 0.022%; no homozygotes.

Submissions (4):

CeGaT Center for Human Genetics Tuebingen
Classification: Likely benign. Last evaluated: 2026-04-01. Review status: criteria provided, single submitter. Criteria: CeGaT Center For Human Genetics Tuebingen Variant Classification Criteria Version 2. Collection method: clinical testing. Allele origin: germline. Affected: yes. Observed: 1 variant allele.
Comment: RELN: BP4, BP7

Labcorp Genetics (formerly Invitae), Labcorp
Classification: Likely benign for Familial temporal lobe epilepsy 7; Norman-Roberts syndrome. Last evaluated: 2025-06-09. Review status: criteria provided, single submitter. Criteria: Invitae Variant Classification Sherloc (09022015). Collection method: clinical testing. Allele origin: germline.

Blueprint Genetics
Classification: Likely benign. Last evaluated: 2024-01-26. Review status: criteria provided, single submitter. Criteria: ACMG Guidelines, 2015. Collection method: clinical testing. Allele origin: germline.

Eurofins Ntd Llc (ga)
Classification: Uncertain significance. Last evaluated: 2014-05-09. Review status: criteria provided, single submitter. Criteria: EGL Classification Definitions 2015. Collection method: clinical testing. Allele origin: germline. Observed: 1 variant allele, 1 heterozygote.

NM_005045.4(RELN):c.2016G>A (p.Pro672=)

Gene: RELN (reelin; minus strand). Cytogenetic location: 7q22.1.
Variant type: single nucleotide variant.
Coding change: c.2016G>A on transcript NM_005045.4 (MANE Select); coding-DNA position 2016, G replaced by A.
Protein change: p.Pro672=; no amino-acid change (proline 672 retained).
Molecular consequence: synonymous variant.
Genome position (GRCh38, 1-based): chr7:103,640,596, C>T on the plus strand (G>A on the coding strand, the complement: RELN is on the minus strand). VCF-style: chr7-103640596-C-T. GRCh37 (hg19) VCF-style: chr7-103281043-C-T.
Other names: c.2016G>A, p.Pro672= (NM_173054.3).
Identifiers: ClinVar variation 194745 (VCV000194745.18), dbSNP rs146749232, ClinGen allele CA240888.
Genomic context (GRCh38, chr7:103,640,596, plus strand): 5'-TGCTTACTTGCAACCATGTCTAGTGCACTGTCCTCTGCCAGAACAGAATTTGAGACATGA[C>T]GGGCCAATATAAACTGTGGGAGGGAAAAAGAGAACATAATTACAAAAACATAGAACACTA-3'
Protein context (NP_005036.2, residues 662-682): MWAIDNVYIG[Pro672=]SCLKFCSGRG